The following is an entry in ClinVar:

NM_000152.5(GAA):c.2189+1098A>G

Gene: GAA (alpha glucosidase; plus strand). Cytogenetic location: 17q25.3.
Variant type: single nucleotide variant.
Coding change: c.2189+1098A>G on transcript NM_000152.5 (MANE Select); 1098 bases into the intron after coding-DNA position 2189, A replaced by G.
Molecular consequence: intron variant.
Genome position (GRCh38, 1-based): chr17:80,114,464, A>G. VCF-style: chr17-80114464-A-G. GRCh37 (hg19) VCF-style: chr17-78088263-A-G.
Other names: c.2189+1098A>G (NM_001406741.1, NM_001406742.1, NM_001079803.3 and 1 more transcripts).
Identifiers: ClinVar variation 4856073 (VCV004856073.1).

ClinVar aggregate classification (germline): Uncertain significance (1 of 4 stars; one submission).

Conditions:
Glycogen storage disease, type II (IOPD). Also called: CARDIOMEGALIA GLYCOGENICA DIFFUSA; GLYCOGENOSIS, GENERALIZED, CARDIAC FORM; GSD II; ACID MALTASE DEFICIENCY, INFANTILE-ONSET; POMPE DISEASE, INFANTILE-ONSET; GLYCOGEN STORAGE DISEASE II, INFANTILE-ONSET. Identifiers: Orphanet 365, MedGen C0017921, MONDO:0009290, OMIM 232300.

gnomAD v4.1: 2 of 150,946 alleles (0.0013%); highest among the groups gnomAD compares: South Asian, 0.042%; no homozygotes.

Submission:

3billion
Classification: Uncertain significance for Glycogen storage disease, type II. Last evaluated: 2025-07-30. Review status: criteria provided, single submitter. Criteria: ACMG Guidelines, 2015. Collection method: clinical testing. Allele origin: germline. Affected: yes.
Comment: The variant is observed at an extremely low frequency in the gnomAD v4.1.0 dataset (total allele frequency: 0.001%). Predicted Consequence/Location: Intron variant In silico tools do not predict the variant to alter splicing and produce an abnormal transcript [SpliceAI: 0.03 (<=0.1, moderate evidence for non-spliceogenicity)]. Therefore, this variant is classified as VUS according to the recommendation of ACMG/AMP guideline.